The following is an entry in ClinVar:

ClinVar aggregate classification (germline): Uncertain significance (1 of 4 stars; one submission).

Conditions:
Multiple congenital anomalies-hypotonia-seizures syndrome 3 (MCAHS3). Also called: GLYCOSYLPHOSPHATIDYLINOSITOL BIOSYNTHESIS DEFECT 7. Identifiers: Orphanet 369837, MedGen C3809356, MONDO:0014165, OMIM 615398.

Submission:

Labcorp Genetics (formerly Invitae), Labcorp
Classification: Uncertain significance for Multiple congenital anomalies-hypotonia-seizures syndrome 3. Last evaluated: 2022-05-21. Review status: criteria provided, single submitter. Criteria: Invitae Variant Classification Sherloc (09022015). Collection method: clinical testing. Allele origin: germline.
Comment: In summary, the available evidence is currently insufficient to determine the role of this variant in disease. Therefore, it has been classified as a Variant of Uncertain Significance. Algorithms developed to predict the effect of missense changes on protein structure and function are either unavailable or do not agree on the potential impact of this missense change (SIFT: "Tolerated"; PolyPhen-2: "Possibly Damaging"; Align-GVGD: "Class C0"). This variant has not been reported in the literature in individuals affected with PIGT-related conditions. This variant is not present in population databases (gnomAD no frequency). This sequence change replaces glutamine, which is neutral and polar, with glutamic acid, which is acidic and polar, at codon 433 of the PIGT protein (p.Gln433Glu).

NM_015937.6(PIGT):c.1297C>G (p.Gln433Glu)

Gene: PIGT (phosphatidylinositol glycan anchor biosynthesis class T; plus strand). Cytogenetic location: 20q13.12.
Variant type: single nucleotide variant.
Coding change: c.1297C>G on transcript NM_015937.6 (MANE Select); coding-DNA position 1297, C replaced by G.
Protein change: p.Gln433Glu; replaces glutamine 433 with glutamic acid.
Molecular consequence: missense variant. On other transcripts: non-coding transcript variant (5).
Genome position (GRCh38, 1-based): chr20:45,424,278, C>G. VCF-style: chr20-45424278-C-G. GRCh37 (hg19) VCF-style: chr20-44052918-C-G.
Other names: c.1129C>G, p.Gln377Glu (NM_001184728.3); c.1096C>G, p.Gln366Glu (NM_001184729.3); c.991C>G, p.Gln331Glu (NM_001184730.3); short protein forms Q331E, Q366E, Q433E, Q377E.
Identifiers: ClinVar variation 1997331 (VCV001997331.4), dbSNP rs1990571420, ClinGen allele CA409170266.